The following is an entry in ClinVar:

NM_002335.4(LRP5):c.172G>A (p.Val58Met)

Gene: LRP5 (LDL receptor related protein 5; plus strand). Cytogenetic location: 11q13.2.
Variant type: single nucleotide variant.
Coding change: c.172G>A on transcript NM_002335.4 (MANE Select); coding-DNA position 172, G replaced by A.
Protein change: p.Val58Met; replaces valine 58 with methionine.
Molecular consequence: missense variant. On other transcripts: 5 prime UTR variant (1).
Genome position (GRCh38, 1-based): chr11:68,347,927, G>A. VCF-style: chr11-68347927-G-A. GRCh37 (hg19) VCF-style: chr11-68115395-G-A.
Other names: c.-1594G>A (NM_001291902.2); short protein forms V58M.
Identifiers: ClinVar variation 2106101 (VCV002106101.4), dbSNP rs1462356607, ClinGen allele CA381610208.

ClinVar aggregate classification (germline): Uncertain significance (1 of 4 stars; one submission).

Allele frequency attached by ClinVar (database versions not stated): gnomAD exomes below 0.00001; TOPMed 0.00001.
gnomAD v4.1: 5 of 1,613,818 alleles (0.00031%); highest among the groups gnomAD compares: Admixed American, 0.005%; no homozygotes.

Submission:

Labcorp Genetics (formerly Invitae), Labcorp
Classification: Uncertain significance. Last evaluated: 2025-04-23. Review status: criteria provided, single submitter. Criteria: Invitae Variant Classification Sherloc (09022015). Collection method: clinical testing. Allele origin: germline.
Comment: This sequence change replaces valine, which is neutral and non-polar, with methionine, which is neutral and non-polar, at codon 58 of the LRP5 protein (p.Val58Met). This variant is present in population databases (no rsID available, gnomAD 0.009%). This variant has not been reported in the literature in individuals affected with LRP5-related conditions. ClinVar contains an entry for this variant (Variation ID: 2106101). Invitae Evidence Modeling of protein sequence and biophysical properties (such as structural, functional, and spatial information, amino acid conservation, physicochemical variation, residue mobility, and thermodynamic stability) has been performed for this missense variant. However, the output from this modeling did not meet the statistical confidence thresholds required to predict the impact of this variant on LRP5 protein function. In summary, the available evidence is currently insufficient to determine the role of this variant in disease. Therefore, it has been classified as a Variant of Uncertain Significance.